The following is an entry in ClinVar:

ClinVar aggregate classification (germline): Uncertain significance. Review status: criteria provided, multiple submitters, no conflicts (2 of 4 stars). 3 submissions from 3 submitters: Uncertain significance (3). Last evaluated 2024-10-24.

Conditions:
Inborn genetic diseases. Identifiers: MedGen C0950123, MeSH D030342.
Familial sleep-related hypermotor epilepsy. Also called: Autosomal Dominant Sleep-Related Hypermotor (Hyperkinetic) Epilepsy. Identifiers: Orphanet 98784, MedGen C3696898, MONDO:0000030.

Allele frequency attached by ClinVar (database versions not stated): TOPMed 0.00001.
gnomAD v4.1: 22 of 1,613,784 alleles (0.0014%); highest among the groups gnomAD compares: Non-Finnish European, 0.0016%; no homozygotes.

Submissions (3):

Labcorp Genetics (formerly Invitae), Labcorp
Classification: Uncertain significance. Last evaluated: 2024-10-24. Review status: criteria provided, single submitter. Criteria: Invitae Variant Classification Sherloc (09022015). Collection method: clinical testing. Allele origin: germline.
Comment: This sequence change replaces arginine, which is basic and polar, with histidine, which is basic and polar, at codon 345 of the CHRNA4 protein (p.Arg345His). This variant is not present in population databases (gnomAD no frequency). This variant has not been reported in the literature in individuals affected with CHRNA4-related conditions. ClinVar contains an entry for this variant (Variation ID: 2423197). Invitae Evidence Modeling of protein sequence and biophysical properties (such as structural, functional, and spatial information, amino acid conservation, physicochemical variation, residue mobility, and thermodynamic stability) indicates that this missense variant is not expected to disrupt CHRNA4 protein function with a negative predictive value of 80%. In summary, the available evidence is currently insufficient to determine the role of this variant in disease. Therefore, it has been classified as a Variant of Uncertain Significance.

Ambry Genetics
Classification: Uncertain significance for Inborn genetic diseases. Last evaluated: 2024-05-08. Review status: criteria provided, single submitter. Criteria: Ambry Variant Classification Scheme 2023. Collection method: clinical testing. Allele origin: germline.

Department of Pathology and Laboratory Medicine, Sinai Health System
Classification: Uncertain significance for sleep-related hypermotor epilepsy. Last evaluated: 2022-11-01. Review status: criteria provided, single submitter. Criteria: ACMG Guidelines, 2015. Collection method: research. Allele origin: germline.

NM_000744.7(CHRNA4):c.1034G>A (p.Arg345His)

Gene: CHRNA4 (cholinergic receptor nicotinic alpha 4 subunit; minus strand). Cytogenetic location: 20q13.33.
Variant type: single nucleotide variant.
Coding change: c.1034G>A on transcript NM_000744.7 (MANE Select); coding-DNA position 1034, G replaced by A.
Protein change: p.Arg345His; replaces arginine 345 with histidine.
Molecular consequence: missense variant. On other transcripts: non-coding transcript variant (1).
Genome position (GRCh38, 1-based): chr20:63,350,377, C>T on the plus strand (G>A on the coding strand, the complement: CHRNA4 is on the minus strand). VCF-style: chr20-63350377-C-T. GRCh37 (hg19) VCF-style: chr20-61981729-C-T.
Other names: c.506G>A, p.Arg169His (NM_001256573.2); c.1034G>A (NM_000744.5); short protein forms R169H, R345H.
Identifiers: ClinVar variation 2423197 (VCV002423197.8), dbSNP rs200666489, ClinGen allele CA317435411.